The following is an entry in ClinVar:

NM_001042492.3(NF1):c.7465A>G (p.Lys2489Glu)

Gene: NF1 (neurofibromin 1; plus strand). Cytogenetic location: 17q11.2.
Variant type: single nucleotide variant.
Coding change: c.7465A>G on transcript NM_001042492.3 (MANE Select); coding-DNA position 7465, A replaced by G.
Protein change: p.Lys2489Glu; replaces lysine 2489 with glutamic acid.
Molecular consequence: missense variant.
Genome position (GRCh38, 1-based): chr17:31,352,264, A>G. VCF-style: chr17-31352264-A-G. GRCh37 (hg19) VCF-style: chr17-29679282-A-G.
Other names: c.7402A>G, p.Lys2468Glu (NM_000267.4); short protein forms K2468E, K2489E.
Identifiers: ClinVar variation 527459 (VCV000527459.6), dbSNP rs1555536338, ClinGen allele CA399017414.

ClinVar aggregate classification (germline): Uncertain significance. Review status: criteria provided, multiple submitters, no conflicts (2 of 4 stars). 2 submissions from 2 submitters: Uncertain significance (2). Last evaluated 2024-04-16.

Conditions:
Juvenile myelomonocytic leukemia (JMML). Also called: LEUKEMIA, JUVENILE MYELOMONOCYTIC, SOMATIC. Identifiers: Orphanet 86834, MedGen C0349639, MONDO:0011908, OMIM 607785, HP:0012209.
Neurofibromatosis, type 1 (NF1). Also called: VON RECKLINGHAUSEN DISEASE; NEUROFIBROMATOSIS, TYPE I, SOMATIC; Peripheral type neurofibromatosis; Neurofibromatosis, type I. Identifiers: Orphanet 636, MedGen C0027831, MONDO:0018975, OMIM 162200. Disease mechanism: loss of function.

Allele frequency attached by ClinVar (database versions not stated): gnomAD exomes below 0.00001.
gnomAD v4.1: 1 of 1,613,974 alleles (0.000062%); highest among the groups gnomAD compares: East Asian, 0.0022%; no homozygotes.

Submissions (2):

Labcorp Genetics (formerly Invitae), Labcorp
Classification: Uncertain significance for Neurofibromatosis, type 1. Last evaluated: 2024-04-16. Review status: criteria provided, single submitter. Criteria: Invitae Variant Classification Sherloc (09022015). Collection method: clinical testing. Allele origin: germline.
Comment: This sequence change replaces lysine, which is basic and polar, with glutamic acid, which is acidic and polar, at codon 2468 of the NF1 protein (p.Lys2468Glu). This variant is not present in population databases (gnomAD no frequency). This variant has not been reported in the literature in individuals affected with NF1-related conditions. ClinVar contains an entry for this variant (Variation ID: 527459). Advanced modeling of protein sequence and biophysical properties (such as structural, functional, and spatial information, amino acid conservation, physicochemical variation, residue mobility, and thermodynamic stability) performed at Invitae indicates that this missense variant is not expected to disrupt NF1 protein function with a negative predictive value of 95%. In summary, the available evidence is currently insufficient to determine the role of this variant in disease. Therefore, it has been classified as a Variant of Uncertain Significance.

Baylor Genetics
Classification: Uncertain significance for Juvenile myelomonocytic leukemia. Last evaluated: 2023-11-23. Review status: criteria provided, single submitter. Criteria: ACMG Guidelines, 2015. Collection method: clinical testing. Allele origin: unknown.